The following is an entry in ClinVar:

ClinVar aggregate classification (germline): Benign (0 of 4 stars; one submission).

Conditions:
MYO7B-related disorder. Also called: MYO7B-related condition.

Allele frequency attached by ClinVar (database versions not stated): ESP Exome Variant Server 0.00162; TOPMed 0.00181; gnomAD 0.00194; 1000 Genomes Project 30x 0.00437; 1000 Genomes Project 0.00439; ExAC 0.00531.
gnomAD v4.1: 3,819 of 1,609,518 alleles (0.24%); highest among the groups gnomAD compares: South Asian, 1.6%; 30 homozygotes.

Submission:

PreventionGenetics, part of Exact Sciences
Classification: Benign for MYO7B-related condition. Last evaluated: 2019-03-25. Review status: no assertion criteria provided. Collection method: clinical testing. Allele origin: germline.
Comment: This variant is classified as benign based on ACMG/AMP sequence variant interpretation guidelines (Richards et al. 2015 PMID: 25741868, with internal and published modifications).

NM_001393586.1(MYO7B):c.339C>G (p.Leu113=)

Genes: MYO7B (myosin VIIB; plus strand), LOC105373609 (uncharacterized LOC105373609; minus strand). Cytogenetic location: 2q14.3.
Variant type: single nucleotide variant.
Coding change: c.339C>G on transcript NM_001393586.1 (MANE Select); coding-DNA position 339, C replaced by G.
Protein change: p.Leu113=; no amino-acid change (leucine 113 retained).
Molecular consequence: synonymous variant.
Genome position (GRCh38, 1-based): chr2:127,566,696, C>G. VCF-style: chr2-127566696-C-G. GRCh37 (hg19) VCF-style: chr2-128324271-C-G.
Other names: c.339C>G, p.Leu113= (NM_001080527.2).
Identifiers: ClinVar variation 3038634 (VCV003038634.2), dbSNP rs145802059, ClinGen allele CA1860378.